The following is an entry in ClinVar:

NM_000289.6(PFKM):c.1487T>C (p.Ile496Thr)

Gene: PFKM (phosphofructokinase, muscle; plus strand). Cytogenetic location: 12q13.11.
Variant type: single nucleotide variant.
Coding change: c.1487T>C on transcript NM_000289.6 (MANE Select); coding-DNA position 1487, T replaced by C.
Protein change: p.Ile496Thr; replaces isoleucine 496 with threonine.
Molecular consequence: missense variant. On other transcripts: non-coding transcript variant (6).
Genome position (GRCh38, 1-based): chr12:48,141,814, T>C. VCF-style: chr12-48141814-T-C. GRCh37 (hg19) VCF-style: chr12-48535597-T-C.
Other names: c.1700T>C, p.Ile567Thr (NM_001166686.2, NM_001354737.1, NM_001354738.1 and 1 more transcripts); c.1487T>C, p.Ile496Thr (NM_001166687.2, NM_001166688.2, NM_001354742.2 and 2 more transcripts); c.1796T>C, p.Ile599Thr (NM_001354735.1, NM_001354736.1); c.1631T>C, p.Ile544Thr (NM_001354740.1); c.1511T>C, p.Ile504Thr (NM_001354741.2); c.1400T>C, p.Ile467Thr (NM_001354745.2); c.1361T>C, p.Ile454Thr (NM_001354746.2); c.1337T>C, p.Ile446Thr (NM_001354747.2, NM_001354748.2); and 1 more; short protein forms I446T, I454T, I465T, I467T, I496T, I504T, I544T, I567T.
Identifiers: ClinVar variation 2689683 (VCV002689683.4), dbSNP rs1310340050, ClinGen allele CA384552095.
Genomic context (GRCh38, chr12:48,141,814, plus strand): 5'-AGAGCTTTGAACAGATCAGTGCCAATATAACTAAGTTTAACATTCAGGGCCTTGTCATCA[T>C]TGGGGGCTTTGAGGTGAGTGCCTGCCACCATTTCTTCCTCTCTCCCTCCTACCTCCTCTC-3'
Protein context (NP_000280.1, residues 486-506): TKFNIQGLVI[Ile496Thr]GGFEAYTGGL

ClinVar aggregate classification (germline): Uncertain significance. Review status: criteria provided, multiple submitters, no conflicts (2 of 4 stars). 3 submissions from 3 submitters: Uncertain significance (3). Last evaluated 2024-06-15.

Conditions:
Glycogen storage disease, type VII (GSD7). Also called: TARUI DISEASE; GSD VII; MUSCLE PHOSPHOFRUCTOKINASE DEFICIENCY; PFKM DEFICIENCY. Identifiers: Orphanet 371, MedGen C0017926, MONDO:0009295, OMIM 232800.

Allele frequency attached by ClinVar (database versions not stated): gnomAD exomes 0.00001.
gnomAD v4.1: 22 of 1,613,906 alleles (0.0014%); highest among the groups gnomAD compares: Middle Eastern, 0.016%; no homozygotes.

Submissions (3):

3billion
Classification: Uncertain significance for Glycogen storage disease, type VII. Last evaluated: 2024-06-15. Review status: criteria provided, single submitter. Criteria: ACMG Guidelines, 2015. Collection method: clinical testing. Allele origin: germline. Affected: yes.
Comment: The variant is observed at an extremely low frequency in the gnomAD v4.0.0 dataset (total allele frequency: 0.002%). Predicted Consequence/Location: The majority of the known disease-causing variants of this gene are variants expected to result in premature termination of the protein. In silico tool predictions suggest damaging effect of the variant on gene or gene product [REVEL: 0.88 (>=0.6, sensitivity 0.68 and specificity 0.92)]. Therefore, this variant is classified as VUS according to the recommendation of ACMG/AMP guideline.

Labcorp Genetics (formerly Invitae), Labcorp
Classification: Uncertain significance for Glycogen storage disease, type VII. Last evaluated: 2023-10-22. Review status: criteria provided, single submitter. Criteria: Invitae Variant Classification Sherloc (09022015). Collection method: clinical testing. Allele origin: germline.
Comment: This sequence change replaces isoleucine, which is neutral and non-polar, with threonine, which is neutral and polar, at codon 496 of the PFKM protein (p.Ile496Thr). This variant is present in population databases (no rsID available, gnomAD 0.004%). This variant has not been reported in the literature in individuals affected with PFKM-related conditions. Advanced modeling of protein sequence and biophysical properties (such as structural, functional, and spatial information, amino acid conservation, physicochemical variation, residue mobility, and thermodynamic stability) has been performed at Invitae for this missense variant, however the output from this modeling did not meet the statistical confidence thresholds required to predict the impact of this variant on PFKM protein function. In summary, the available evidence is currently insufficient to determine the role of this variant in disease. Therefore, it has been classified as a Variant of Uncertain Significance.

Revvity Omics, Revvity
Classification: Uncertain significance for Glycogen storage disease, type VII. Last evaluated: 2023-06-19. Review status: criteria provided, single submitter. Criteria: ACMG Guidelines, 2015. Collection method: clinical testing. Allele origin: germline.